The following is an entry in ClinVar:

ClinVar aggregate classification (germline): Benign/Likely benign. Review status: criteria provided, multiple submitters, no conflicts (2 of 4 stars). 4 submissions from 4 submitters: Benign (2); Likely benign (2). Last evaluated 2024-09-20.

Conditions:
Cardiovascular phenotype. Identifiers: MedGen CN230736.
Aortic valve disease 2 (AOVD2). Identifiers: MedGen C3542024, MONDO:0013902, OMIM 614823.
Holt-Oram syndrome (HOS). Also called: TBX5-Related Holt-Oram Syndrome; Ventriculo-radial syndrome; Cardiac-limb syndrome; Heart-hand syndrome, type 1. Identifiers: Orphanet 392, MedGen C0265264, MONDO:0007732, OMIM 142900.

Allele frequency attached by ClinVar (database versions not stated): gnomAD 0.00001 and 0.00004; TOPMed 0.00009; gnomAD exomes 0.00012; ExAC 0.00014; 1000 Genomes Project 30x 0.00031; 1000 Genomes Project 0.00040.
gnomAD v4.1: 66 of 1,614,170 alleles (0.0041%); highest among the groups gnomAD compares: East Asian, 0.14%; no homozygotes.

Submissions (4):

Blueprint Genetics
Classification: Likely benign. Last evaluated: 2024-09-20. Review status: criteria provided, single submitter. Criteria: ACMG Guidelines, 2015. Collection method: clinical testing. Allele origin: germline.

Labcorp Genetics (formerly Invitae), Labcorp
Classification: Benign for Aortic valve disease 2. Last evaluated: 2024-07-23. Review status: criteria provided, single submitter. Criteria: Invitae Variant Classification Sherloc (09022015). Collection method: clinical testing. Allele origin: germline.

Ambry Genetics
Classification: Likely benign for Cardiovascular phenotype. Last evaluated: 2019-10-20. Review status: criteria provided, single submitter. Criteria: Ambry Variant Classification Scheme 2023. Collection method: clinical testing. Allele origin: germline.

Illumina Laboratory Services, Illumina
Classification: Benign for Holt-Oram syndrome. Last evaluated: 2018-01-13. Review status: criteria provided, single submitter. Criteria: ICSL Variant Classification Criteria 13 December 2019. Collection method: clinical testing. Allele origin: germline.
Comment: This variant was observed in the ICSL laboratory as part of a predisposition screen in an ostensibly healthy population. It had not been previously curated by ICSL or reported in the Human Gene Mutation Database (HGMD: prior to June 1st, 2018), and was therefore a candidate for classification through an automated scoring system. Utilizing variant allele frequency, disease prevalence and penetrance estimates, and inheritance mode, an automated score was calculated to assess if this variant is too frequent to cause the disease. Based on the score and internal cut-off values, a variant classified as benign is not then subjected to further curation. The score for this variant resulted in a classification of benign for this disease.

NM_181486.4(TBX5):c.1449G>A (p.Gln483=)

Gene: TBX5 (T-box transcription factor 5; minus strand). Cytogenetic location: 12q24.21.
Variant type: single nucleotide variant.
Coding change: c.1449G>A on transcript NM_181486.4 (MANE Select); coding-DNA position 1449, G replaced by A.
Protein change: p.Gln483=; no amino-acid change (glutamine 483 retained).
Molecular consequence: synonymous variant.
Genome position (GRCh38, 1-based): chr12:114,355,640, C>T on the plus strand (G>A on the coding strand, the complement: TBX5 is on the minus strand). VCF-style: chr12-114355640-C-T. GRCh37 (hg19) VCF-style: chr12-114793445-C-T.
Other names: c.1449G>A, p.Gln483= (NM_000192.3); c.1299G>A, p.Gln433= (NM_080717.4).
Identifiers: ClinVar variation 882840 (VCV000882840.14), dbSNP rs117965596, ClinGen allele CA6809336.
Genomic context (GRCh38, chr12:114,355,640, plus strand): 5'-GTGGTACTGATGAGGGGATAGAGTCCTTGGCACGCCATGAGAGTAGAGGAACTCAGGGGG[C>T]TGAAGGGTGCCAGGGGACTGCAGGCCAGTCTGAGGCCCACACTGCCTGACCACAGGCTGG-3'
Protein context (NP_852259.1, residues 473-493): QTGLQSPGTL[Gln483=]PPEFLYSHGV